The following is an entry in ClinVar:

NM_020831.6(MRTFA):c.2872C>T (p.Pro958Ser)

Gene: MRTFA (myocardin related transcription factor A; minus strand). Cytogenetic location: 22q13.1.
Variant type: single nucleotide variant.
Coding change: c.2872C>T on transcript NM_020831.6 (MANE Select); coding-DNA position 2872, C replaced by T.
Protein change: p.Pro958Ser; replaces proline 958 with serine.
Molecular consequence: missense variant. On other transcripts: 3 prime UTR variant (1).
Genome position (GRCh38, 1-based): chr22:40,411,614, G>A on the plus strand (C>T on the coding strand, the complement: MRTFA is on the minus strand). VCF-style: chr22-40411614-G-A. GRCh37 (hg19) VCF-style: chr22-40807618-G-A.
Other names: c.2572C>T, p.Pro858Ser (NM_001282660.2); c.2722C>T, p.Pro908Ser (NM_001282661.3); c.*185C>T (NM_001282662.3); c.2677C>T, p.Pro893Ser (NM_001318139.2); short protein forms P908S, P958S, P858S, P893S.
Identifiers: ClinVar variation 4736546 (VCV004736546.1).

ClinVar aggregate classification (germline): Uncertain significance (1 of 4 stars; one submission).

gnomAD v4.1: 4 of 1,613,764 alleles (0.00025%); highest among the groups gnomAD compares: South Asian, 0.0022%; no homozygotes.

Submission:

Labcorp Genetics (formerly Invitae), Labcorp
Classification: Uncertain significance. Last evaluated: 2026-02-01. Review status: criteria provided, single submitter. Criteria: Invitae Variant Classification Sherloc (09022015). Collection method: clinical testing. Allele origin: germline.
Comment: This sequence change replaces proline, which is neutral and non-polar, with serine, which is neutral and polar, at codon 858 of the MKL1 protein (p.Pro858Ser). This variant is present in population databases (no rsID available, gnomAD 0.0009%). This variant has not been reported in the literature in individuals affected with MKL1-related conditions. An algorithm developed to predict the effect of missense changes on protein structure and function (PolyPhen-2) suggests that this variant is likely to be disruptive. In summary, the available evidence is currently insufficient to determine the role of this variant in disease. Therefore, it has been classified as a Variant of Uncertain Significance.